The following is an entry in ClinVar:

ClinVar aggregate classification (germline): Likely benign (1 of 4 stars; one submission).

Allele frequency attached by ClinVar (database versions not stated): ExAC below 0.00001; gnomAD exomes 0.00001.
gnomAD v4.1: 11 of 1,574,348 alleles (0.0007%); highest among the groups gnomAD compares: Non-Finnish European, 0.00095%; no homozygotes.

Submission:

GeneDx
Classification: Likely benign. Last evaluated: 2017-11-22. Review status: criteria provided, single submitter. Criteria: GeneDx Variant Classification (06012015). Collection method: clinical testing. Allele origin: germline. Affected: yes.
Comment: This variant is considered likely benign or benign based on one or more of the following criteria: it is a conservative change, it occurs at a poorly conserved position in the protein, it is predicted to be benign by multiple in silico algorithms, and/or has population frequency not consistent with disease.

NM_001042545.2(LTBP4):c.2535A>G (p.Gly845=)

Gene: LTBP4 (latent transforming growth factor beta binding protein 4; plus strand). Cytogenetic location: 19q13.2.
Variant type: single nucleotide variant.
Coding change: c.2535A>G on transcript NM_001042545.2 (MANE Select); coding-DNA position 2535, A replaced by G.
Protein change: p.Gly845=; no amino-acid change (glycine 845 retained).
Molecular consequence: synonymous variant.
Genome position (GRCh38, 1-based): chr19:40,613,507, A>G. VCF-style: chr19-40613507-A-G. GRCh37 (hg19) VCF-style: chr19-41119413-A-G.
Other names: c.2736A>G, p.Gly912= (NM_001042544.1); c.2625A>G, p.Gly875= (NM_003573.2).
Identifiers: ClinVar variation 513430 (VCV000513430.1), dbSNP rs775848118, ClinGen allele CA9448695.
Genomic context (GRCh38, chr19:40,613,507, plus strand): 5'-CGAGTGCCTCAACACTGACGGCTCCTTTGCCTGTACTTGTGCCCCTGGCTACCGACCCGG[A>G]CCCCGCGGAGCCTCTTGCCTCGGTTCGTACCCGGGCTGATCCTGGCCCCGGAAAGGGTGG-3'
Protein context (NP_001036010.1, residues 835-855): ACTCAPGYRP[Gly845=]PRGASCLDVD